The following is an entry in ClinVar:

NC_000020.10:g.(?_62001629)_(62038624_?)del

Gene: KCNQ2 (potassium voltage-gated channel subfamily Q member 2; minus strand). Cytogenetic location: 20q13.33.
Variant type: Deletion.
Identifiers: ClinVar variation 1460471 (VCV001460471.8).

ClinVar aggregate classification (germline): Pathogenic (1 of 4 stars; one submission).

Conditions:
Developmental and epileptic encephalopathy. Identifiers: MedGen C5779964, MONDO:0100620.

Submission:

Labcorp Genetics (formerly Invitae), Labcorp
Classification: Pathogenic for Early-infantile DEE. Last evaluated: 2022-06-13. Review status: criteria provided, single submitter. Criteria: Invitae Variant Classification Sherloc (09022015). Collection method: clinical testing. Allele origin: germline.
Comment: For these reasons, this variant has been classified as Pathogenic. This variant disrupts a region of the KCNQ2 protein in which other variant(s) (p.Lys829Serfs*35) have been determined to be pathogenic (Invitae). This suggests that this is a clinically significant region of the protein, and that variants that disrupt it are likely to be disease-causing. This variant has not been reported in the literature in individuals affected with KCNQ2-related conditions. This variant results in the deletion of part of exon 17 (c.1992_*36368delinsAAA) of the KCNQ2 gene. While this deletion is not anticipated to lead to nonsense mediated decay, it is expected to alter mRNA translation or result in a truncated protein product.